The following is an entry in ClinVar:

ClinVar aggregate classification (germline): Uncertain significance (1 of 4 stars; one submission).

Conditions:
Inborn genetic diseases. Identifiers: MedGen C0950123, MeSH D030342.

gnomAD v4.1: 1 of 1,482,088 alleles (0.000067%); no homozygotes.

Submission:

Ambry Genetics
Classification: Uncertain significance for Inborn genetic diseases. Last evaluated: 2024-11-22. Review status: criteria provided, single submitter. Criteria: Ambry Variant Classification Scheme 2023. Collection method: clinical testing. Allele origin: germline.
Comment: The p.R202P variant (also known as c.605G>C), located in coding exon 1 of the SH2B3 gene, results from a G to C substitution at nucleotide position 605. The arginine at codon 202 is replaced by proline, an amino acid with dissimilar properties. This amino acid position is conserved. In addition, this alteration is predicted to be tolerated by in silico analysis. Based on the available evidence, the clinical significance of this variant remains unclear.

NM_005475.3(SH2B3):c.605G>C (p.Arg202Pro)

Gene: SH2B3 (SH2B adaptor protein 3; plus strand). Cytogenetic location: 12q24.12.
Variant type: single nucleotide variant.
Coding change: c.605G>C on transcript NM_005475.3 (MANE Select); coding-DNA position 605, G replaced by C.
Protein change: p.Arg202Pro; replaces arginine 202 with proline.
Molecular consequence: missense variant.
Genome position (GRCh38, 1-based): chr12:111,418,750, G>C. VCF-style: chr12-111418750-G-C. GRCh37 (hg19) VCF-style: chr12-111856554-G-C.
Other names: short protein forms R202P.
Identifiers: ClinVar variation 2408730 (VCV002408730.3), dbSNP rs953545115, ClinGen allele CA243602876.